The following is an entry in ClinVar:

ClinVar aggregate classification (germline): Uncertain significance (1 of 4 stars; one submission).

Conditions:
NCOA1-related disorder. Also called: NCOA1-related condition.

gnomAD v4.1: 1 of 1,614,174 alleles (0.000062%); highest among the groups gnomAD compares: Non-Finnish European, 0.000085%; no homozygotes.

Submission:

PreventionGenetics, part of Exact Sciences
Classification: Uncertain significance for NCOA1-related condition. Last evaluated: 2025-08-07. Review status: criteria provided, single submitter. Criteria: ACMG Guidelines, 2015. Collection method: clinical testing. Allele origin: germline.
Comment: The NCOA1 c.1351G>A variant is predicted to result in the amino acid substitution p.Ala451Thr. To our knowledge, this variant has not been reported in the literature or in a large population database (gnomAD), indicating this variant is rare. At this time, the clinical significance of this variant is uncertain due to the absence of conclusive functional and genetic evidence.

NM_003743.5(NCOA1):c.1351G>A (p.Ala451Thr)

Gene: NCOA1 (nuclear receptor coactivator 1; plus strand). Cytogenetic location: 2p23.3.
Variant type: single nucleotide variant.
Coding change: c.1351G>A on transcript NM_003743.5 (MANE Select); coding-DNA position 1351, G replaced by A.
Protein change: p.Ala451Thr; replaces alanine 451 with threonine.
Molecular consequence: missense variant.
Genome position (GRCh38, 1-based): chr2:24,706,821, G>A. VCF-style: chr2-24706821-G-A. GRCh37 (hg19) VCF-style: chr2-24929690-G-A.
Other names: c.1351G>A, p.Ala451Thr (NM_001362950.1, NM_001362952.1, NM_001362954.1 and 3 more transcripts); short protein forms A451T.
Identifiers: ClinVar variation 5000906 (VCV005000906.1).